The following is an entry in ClinVar:

NM_000179.3(MSH6):c.627+12C>T

Gene: MSH6 (mutS homolog 6; plus strand). Cytogenetic location: 2p16.3.
Variant type: single nucleotide variant.
Coding change: c.627+12C>T on transcript NM_000179.3 (MANE Select); 12 bases into the intron after coding-DNA position 627, C replaced by T.
Molecular consequence: intron variant.
Genome position (GRCh38, 1-based): chr2:47,796,075, C>T. VCF-style: chr2-47796075-C-T. GRCh37 (hg19) VCF-style: chr2-48023214-C-T.
Other names: c.627+12C>T (NM_000179.2); c.-279-2536C>T (NM_001281493.2); c.238-2536C>T (NM_001281492.2); c.-276+12C>T (NM_001281494.2).
Identifiers: ClinVar variation 2018552 (VCV002018552.5), dbSNP rs1669070600, ClinGen allele CA2580067179.

ClinVar aggregate classification (germline): Uncertain significance. Review status: criteria provided, multiple submitters, no conflicts (2 of 4 stars). 2 submissions from 2 submitters: Uncertain significance (2). Last evaluated 2025-09-29.

Conditions:
Hereditary nonpolyposis colorectal neoplasms. Identifiers: MedGen C0009405, MeSH D003123.
Hereditary cancer-predisposing syndrome. Also called: Hereditary Cancer Syndrome; Neoplastic Syndromes, Hereditary; Hereditary neoplastic syndrome; Tumor predisposition. Identifiers: Orphanet 140162, MedGen C0027672, MeSH D009386, MONDO:0015356.

Submissions (2):

Ambry Genetics
Classification: Uncertain significance for Hereditary cancer-predisposing syndrome. Last evaluated: 2025-09-29. Review status: criteria provided, single submitter. Criteria: Ambry Variant Classification Scheme 2023. Collection method: clinical testing. Allele origin: germline.
Comment: The c.627+12C>T intronic variant results from a C to T substitution 12 nucleotides after coding exon 3 in the MSH6 gene. This nucleotide position is not well conserved in available vertebrate species. In silico splice site analysis predicts that this alteration will weaken the native splice donor site and will result in the creation or strengthening of a novel splice donor site; however, direct evidence is insufficient at this time (Ambry internal data). Based on the available evidence, the clinical significance of this variant remains unclear.

Labcorp Genetics (formerly Invitae), Labcorp
Classification: Uncertain significance for Hereditary nonpolyposis colorectal neoplasms. Last evaluated: 2023-12-06. Review status: criteria provided, single submitter. Criteria: Invitae Variant Classification Sherloc (09022015). Collection method: clinical testing. Allele origin: germline.
Comment: This sequence change falls in intron 3 of the MSH6 gene. It does not directly change the encoded amino acid sequence of the MSH6 protein. RNA analysis indicates that this variant induces altered splicing and may result in an absent or disrupted protein product. This variant is not present in population databases (gnomAD no frequency). This variant has not been reported in the literature in individuals affected with MSH6-related conditions. ClinVar contains an entry for this variant (Variation ID: 2018552). Studies have shown that this variant results in partial inclusion of intron 3 and introduces a premature termination codon (Invitae). The resulting mRNA is expected to undergo nonsense-mediated decay. In summary, the available evidence is currently insufficient to determine the role of this variant in disease. Therefore, it has been classified as a Variant of Uncertain Significance.